The following is an entry in ClinVar:

ClinVar aggregate classification (germline): Uncertain significance (1 of 4 stars; one submission).

Submission:

Labcorp Genetics (formerly Invitae), Labcorp
Classification: Uncertain significance. Last evaluated: 2022-04-18. Review status: criteria provided, single submitter. Criteria: Invitae Variant Classification Sherloc (09022015). Collection method: clinical testing. Allele origin: germline.
Comment: This variant results in a copy number gain of the genomic region encompassing exon(s) 11-14 of the TMPRSS15 gene. While the exact position of this variant cannot be determined from the data, sub-genic copy number gains are generally in tandem (PMID: 25640679). This variant is predicted to be in-frame, and likely preserves the integrity of the reading frame. This variant has not been reported in the literature in individuals affected with TMPRSS15-related conditions. Experimental studies and prediction algorithms are not available or were not evaluated, and the functional significance of this variant is currently unknown. In summary, the available evidence is currently insufficient to determine the role of this variant in disease. Therefore, it has been classified as a Variant of Uncertain Significance.

Literature cited by the submitters: PubMed 25640679.

NC_000021.8:g.(?_19704381)_(19716397_?)dup

Gene: TMPRSS15 (transmembrane serine protease 15; minus strand). Cytogenetic location: 21q21.1.
Variant type: Duplication.
Identifiers: ClinVar variation 2424538 (VCV002424538.4).